The following is an entry in ClinVar:

NM_001365536.1(SCN9A):c.703_709delinsCAGGCCTGAAGA (p.Val235_Ala237delinsGlnAlaTer)

Gene: SCN9A (sodium voltage-gated channel alpha subunit 9; minus strand). Cytogenetic location: 2q24.3.
Variant type: Indel.
Coding change: c.703_709delinsCAGGCCTGAAGA on transcript NM_001365536.1 (MANE Select); coding-DNA positions 703 to 709, GTAGGGG replaced by CAGGCCTGAAGA.
Protein change: p.Val235_Ala237delinsGlnAlaTer.
Molecular consequence: nonsense.
Genome position (GRCh38, 1-based): chr2:166,303,282-166,303,288, CCCCTAC replaced by TCTTCAGGCCTG on the plus strand (GTAGGGG replaced by CAGGCCTGAAGA on the coding strand, the reverse complement: SCN9A is on the minus strand). VCF-style: chr2-166303282-CCCCTAC-TCTTCAGGCCTG. GRCh37 (hg19) VCF-style: chr2-167159792-CCCCTAC-TCTTCAGGCCTG.
Other names: c.703_709delGTAGGGGinsCAGGCCTGAAGA (NM_001365536.1); c.703_709delinsCAGGCCTGAAGA, p.Val235_Ala237delinsGlnAlaTer (NM_002977.4).
Identifiers: ClinVar variation 3362848 (VCV003362848.3).
Genomic context (GRCh38, chr2:166,303,282, plus strand): 5'-TCAGACAGAACACAGTCAGGATCATGACATCAGAAAGCTTCTTCACTGACTGGATCAAAG[CCCCTAC>TCTTCAGGCCTG]AATTGTCTTCAGGCCTGAAAATGGGAGAAAAAAGTGTTTGTAATGACATAAAGCCTCTGA-3'

ClinVar aggregate classification (germline): Likely pathogenic (1 of 4 stars; one submission).

Conditions:
Channelopathy-associated congenital insensitivity to pain, autosomal recessive. Also called: ASYMBOLIA FOR PAIN; CONGENITAL ANALGESIA, AUTOSOMAL RECESSIVE; Insensitivity to pain, channelopathy-associated. Identifiers: Orphanet 88642, Orphanet 970, MedGen C1855739, MONDO:0009459, OMIM 243000.

Submission:

Neuberg Centre For Genomic Medicine, NCGM
Classification: Likely pathogenic for Channelopathy-associated congenital insensitivity to pain, autosomal recessive. Review status: criteria provided, single submitter. Criteria: ACMG Guidelines, 2015. Collection method: clinical testing. Allele origin: germline. Inheritance: Autosomal recessive inheritance. Affected: yes.
Comment: The observed deletion insertion variant c.703_709delGTAGGGGinsCAGGCCTGAAGA (p.Val235GlnfsTer3) in SCN9A gene has not been reported previously as a pathogenic variant nor as a benign variant, to our knowledge. The variant is absent in gnomAD Exomes. This variant causes a frameshift starting with codon Valine 235, changes this amino acid to Glutamine residue, and creates a premature Stop codon at position 3 of the new reading frame. This variant is predicted to cause loss of normal protein function through protein truncation. Loss of function variants have been previously reported to be disease causing (Cox JJ, et al., 2006). For these reasons, this variant has been classified as Likely Pathogenic.